The following is an entry in ClinVar:

ClinVar aggregate classification (germline): Uncertain significance. Review status: criteria provided, multiple submitters, no conflicts (2 of 4 stars). 2 submissions from 2 submitters: Uncertain significance (2). Last evaluated 2025-06-11.

Conditions:
Familial thoracic aortic aneurysm and aortic dissection (TAAD). Also called: Thoracic aortic aneurysms and dissections. Identifiers: Orphanet 91387, MedGen C4707243, MONDO:0019625.
Oto-palato-digital syndrome, type II (OPD2). Also called: Otopalatodigital Syndrome Type 2 (FLNA-OPD2); FACIOPALATOOSSEOUS SYNDROME; OPD II SYNDROME; Otopalatodigital Syndrome, Type II. Identifiers: Orphanet 669, Orphanet 90652, MedGen C1844696, MONDO:0010571, OMIM 304120.
Heterotopia, periventricular, X-linked dominant (PVNH1). Also called: PERIVENTRICULAR NODULAR HETEROTOPIA 1; X-linked periventricular heterotopia; PERIVENTRICULAR NODULAR HETEROTOPIA 4; HETEROTOPIA, PERIVENTRICULAR, 1. Identifiers: Orphanet 2149, Orphanet 82004, MedGen C1848213, MONDO:0010233, OMIM 300049.
Melnick-Needles syndrome (MNS). Also called: Melnick-Needles Syndrome (FLNA-MNS); MELNICK-NEEDLES OSTEODYSPLASTY; OSTEODYSPLASTY OF MELNICK AND NEEDLES. Identifiers: Orphanet 2484, MedGen C0025237, MONDO:0010650, OMIM 309350.
Frontometaphyseal dysplasia (FMD1). Identifiers: Orphanet 1826, MedGen C0265293, MONDO:0015942.

Submissions (2):

Labcorp Genetics (formerly Invitae), Labcorp
Classification: Uncertain significance for Oto-palato-digital syndrome, type II; Heterotopia, periventricular, X-linked dominant; Frontometaphyseal dysplasia; Melnick-Needles syndrome. Last evaluated: 2025-06-11. Review status: criteria provided, single submitter. Criteria: Invitae Variant Classification Sherloc (09022015). Collection method: clinical testing. Allele origin: germline.
Comment: This sequence change replaces phenylalanine, which is neutral and non-polar, with isoleucine, which is neutral and non-polar, at codon 1703 of the FLNA protein (p.Phe1703Ile). This variant is not present in population databases (gnomAD no frequency). This variant has not been reported in the literature in individuals affected with FLNA-related conditions. ClinVar contains an entry for this variant (Variation ID: 2926751). Invitae Evidence Modeling of protein sequence and biophysical properties (such as structural, functional, and spatial information, amino acid conservation, physicochemical variation, residue mobility, and thermodynamic stability) indicates that this missense variant is not expected to disrupt FLNA protein function with a negative predictive value of 95%. In summary, the available evidence is currently insufficient to determine the role of this variant in disease. Therefore, it has been classified as a Variant of Uncertain Significance.

Centre of Medical Genetics, University of Antwerp
Classification: Uncertain significance for Familial thoracic aortic aneurysm and aortic dissection. Last evaluated: 2024-09-06. Review status: criteria provided, single submitter. Criteria: ACMG Guidelines, 2015. Collection method: clinical testing. Allele origin: germline. Affected: yes.

NM_001110556.2(FLNA):c.5131T>A (p.Phe1711Ile)

Gene: FLNA (filamin A; minus strand). Cytogenetic location: Xq28.
Variant type: single nucleotide variant.
Coding change: c.5131T>A on transcript NM_001110556.2 (MANE Select); coding-DNA position 5131, T replaced by A.
Protein change: p.Phe1711Ile; replaces phenylalanine 1711 with isoleucine.
Molecular consequence: missense variant.
Genome position (GRCh38, 1-based): chrX:154,354,911, A>T on the plus strand (T>A on the coding strand, the complement: FLNA is on the minus strand). VCF-style: chrX-154354911-A-T. GRCh37 (hg19) VCF-style: chrX-153583279-A-T.
Other names: c.5107T>A, p.Phe1703Ile (NM_001456.4); short protein forms F1711I, F1703I.
Identifiers: ClinVar variation 2926751 (VCV002926751.4), dbSNP rs2522728384, ClinGen allele CA415207665.